The following is an entry in ClinVar:

NM_033100.4(CDHR1):c.2119_2122del (p.Gly707fs)

Gene: CDHR1 (cadherin related family member 1; plus strand). Cytogenetic location: 10q23.1.
Variant type: Deletion.
Coding change: c.2119_2122del on transcript NM_033100.4 (MANE Select); coding-DNA positions 2119 to 2122, 4 bases deleted (GGCA; older notation c.2119_2122delGGCA).
Protein change: p.Gly707fs; shifts the reading frame from glycine 707.
Molecular consequence: frameshift variant. On other transcripts: intron variant (1).
Genome position (GRCh38, 1-based): chr10:84,214,160-84,214,163, GGCA deleted. VCF-style (leftmost placement, unchanged base first): chr10-84214159-CGGCA-C. GRCh37 (hg19) VCF-style: chr10-85973915-CGGCA-C.
Other names: c.2040+812_2040+815del (NM_001171971.3); short protein forms G707fs.
Identifiers: ClinVar variation 1447536 (VCV001447536.6), dbSNP rs1842386251, ClinGen allele CA1924453349.
Genomic context (GRCh38, chr10:84,214,159, plus strand): 5'-CATGGCTGCCTTCCTGATACAGACCAAGGACAACCCCATGAAGGCCGTGGGTGTGCTGGC[CGGCA>C]CCATGGCCACCGTCGTGGCCATCACTGTCCTCATCTCCACCGCCACCTTCTGGCGCAACA-3'

ClinVar aggregate classification (germline): Uncertain significance (1 of 4 stars; one submission).

Allele frequency attached by ClinVar (database versions not stated): TOPMed 0.00001.

Submission:

Labcorp Genetics (formerly Invitae), Labcorp
Classification: Uncertain significance. Last evaluated: 2025-05-13. Review status: criteria provided, single submitter. Criteria: Invitae Variant Classification Sherloc (09022015). Collection method: clinical testing. Allele origin: germline.
Comment: This sequence change creates a premature translational stop signal (p.Gly707Profs*133) in the CDHR1 gene. While this is not anticipated to result in nonsense mediated decay, it is expected to disrupt the last 153 amino acid(s) of the CDHR1 protein. This variant is not present in population databases (gnomAD no frequency). This variant has not been reported in the literature in individuals affected with CDHR1-related conditions. ClinVar contains an entry for this variant (Variation ID: 1447536). Experimental studies and prediction algorithms are not available or were not evaluated, and the functional significance of this variant is currently unknown. In summary, the available evidence is currently insufficient to determine the role of this variant in disease. Therefore, it has been classified as a Variant of Uncertain Significance.